The following is an entry in ClinVar:

ClinVar aggregate classification (germline): Uncertain significance (1 of 4 stars; one submission).

Submission:

GeneDx
Classification: Uncertain significance. Last evaluated: 2025-05-07. Review status: criteria provided, single submitter. Criteria: GeneDx Variant Classification Process June 2021. Collection method: clinical testing. Allele origin: germline. Affected: yes.
Comment: Not observed at significant frequency in large population cohorts (gnomAD); In silico analysis supports that this missense variant has a deleterious effect on protein structure/function; Has not been previously published as pathogenic or benign to our knowledge

NM_001144967.3(NEDD4L):c.2711G>C (p.Gly904Ala)

Gene: NEDD4L (NEDD4 like E3 ubiquitin protein ligase; plus strand). Cytogenetic location: 18q21.31.
Variant type: single nucleotide variant.
Coding change: c.2711G>C on transcript NM_001144967.3 (MANE Select); coding-DNA position 2711, G replaced by C.
Protein change: p.Gly904Ala; replaces glycine 904 with alanine.
Molecular consequence: missense variant.
Genome position (GRCh38, 1-based): chr18:58,390,701, G>C. VCF-style: chr18-58390701-G-C. GRCh37 (hg19) VCF-style: chr18-56057933-G-C.
Other names: c.2348G>C, p.Gly783Ala (NM_001144964.1, NM_001144965.2, NM_001144966.3); c.2687G>C, p.Gly896Ala (NM_001144968.2); c.2627G>C, p.Gly876Ala (NM_001144969.2); c.2288G>C, p.Gly763Ala (NM_001144970.3, NM_001144971.2); c.2519G>C, p.Gly840Ala (NM_001243960.2); c.3548G>C, p.Gly1183Ala (NM_001437337.1); c.2651G>C, p.Gly884Ala (NM_015277.6); short protein forms G1183A, G763A, G783A, G840A, G876A, G884A, G896A, G904A.
Identifiers: ClinVar variation 4528172 (VCV004528172.1).